The following is an entry in ClinVar:

NM_003070.5(SMARCA2):c.3292G>C (p.Gly1098Arg)

Gene: SMARCA2 (SWI/SNF related BAF chromatin remodeling complex subunit ATPase 2; plus strand). Cytogenetic location: 9p24.3.
Variant type: single nucleotide variant.
Coding change: c.3292G>C on transcript NM_003070.5 (MANE Select); coding-DNA position 3292, G replaced by C.
Protein change: p.Gly1098Arg; replaces glycine 1098 with arginine.
Molecular consequence: missense variant.
Genome position (GRCh38, 1-based): chr9:2,104,169, G>C. VCF-style: chr9-2104169-G-C. GRCh37 (hg19) VCF-style: chr9-2104169-G-C.
Other names: c.3292G>C, p.Gly1098Arg (NM_001289396.2, NM_139045.4); c.3118G>C, p.Gly1040Arg (NM_001289397.2); short protein forms G1040R, G1098R.
Identifiers: ClinVar variation 1800809 (VCV001800809.1), dbSNP rs2537379834, ClinGen allele CA372787526.

ClinVar aggregate classification (germline): Uncertain significance (1 of 4 stars; one submission).

Submission:

GeneDx
Classification: Uncertain significance. Last evaluated: 2022-05-24. Review status: criteria provided, single submitter. Criteria: GeneDx Variant Classification Process June 2021. Collection method: clinical testing. Allele origin: germline. Affected: yes.
Comment: Not observed at significant frequency in large population cohorts (gnomAD); In silico analysis supports that this missense variant has a deleterious effect on protein structure/function; Has not been previously published as pathogenic or benign to our knowledge